The following is an entry in ClinVar:

NM_032043.3(BRIP1):c.1671C>T (p.Ser557=)

Gene: BRIP1 (BRCA1 interacting DNA helicase 1; minus strand). Cytogenetic location: 17q23.2.
Variant type: single nucleotide variant.
Coding change: c.1671C>T on transcript NM_032043.3 (MANE Select); coding-DNA position 1671, C replaced by T.
Protein change: p.Ser557=; no amino-acid change (serine 557 retained).
Molecular consequence: synonymous variant.
Genome position (GRCh38, 1-based): chr17:61,780,963, G>A on the plus strand (C>T on the coding strand, the complement: BRIP1 is on the minus strand). VCF-style: chr17-61780963-G-A. GRCh37 (hg19) VCF-style: chr17-59858324-G-A.
Identifiers: ClinVar variation 919010 (VCV000919010.5), dbSNP rs2077610991, ClinGen allele CA501150572.

ClinVar aggregate classification (germline): Benign/Likely benign. Review status: criteria provided, multiple submitters, no conflicts (2 of 4 stars). 3 submissions from 3 submitters: Benign (1); Likely benign (2). Last evaluated 2024-08-29.

Conditions:
Familial cancer of breast. Also called: BREAST CANCER, FAMILIAL; Hereditary breast cancer; hereditary breast carcinoma. Identifiers: Orphanet 227535, MedGen C0346153, MONDO:0016419, OMIM 114480. Disease mechanism: loss of function.
Hereditary cancer-predisposing syndrome. Also called: Neoplastic Syndromes, Hereditary; Tumor predisposition; Hereditary Cancer Syndrome; Hereditary neoplastic syndrome. Identifiers: Orphanet 140162, MedGen C0027672, MeSH D009386, MONDO:0015356.

Submissions (3):

Myriad Genetics, Inc.
Classification: Benign for Familial cancer of breast. Last evaluated: 2024-08-29. Review status: criteria provided, single submitter. Criteria: Myriad Autosomal Dominant, Autosomal Recessive and X-Linked Classification Criteria (2023). Collection method: clinical testing. Allele origin: unknown.
Comment: This variant is considered benign. This variant is a silent/synonymous amino acid change and it is not expected to impact splicing.

Color Diagnostics, LLC DBA Color Health
Classification: Likely benign for Hereditary cancer-predisposing syndrome. Last evaluated: 2019-01-22. Review status: criteria provided, single submitter. Criteria: ACMG Guidelines, 2015. Collection method: clinical testing. Allele origin: germline.

Ambry Genetics
Classification: Likely benign for Hereditary cancer-predisposing syndrome. Last evaluated: 2018-07-17. Review status: criteria provided, single submitter. Criteria: Ambry Variant Classification Scheme 2023. Collection method: clinical testing. Allele origin: germline.